The following is an entry in ClinVar:

ClinVar aggregate classification (germline): Uncertain significance. Review status: criteria provided, multiple submitters, no conflicts (2 of 4 stars). 2 submissions from 2 submitters: Uncertain significance (2). Last evaluated 2024-04-25.

Conditions:
Prostate cancer. Also called: Malignant tumor of prostate. Identifiers: Orphanet 1331, MedGen C0376358, MONDO:0008315, HP:0012125.

gnomAD v4.1: 84 of 1,210,972 alleles (0.0069%); highest among the groups gnomAD compares: Non-Finnish European, 0.0089%; no homozygotes.

Submissions (2):

Women's Health and Genetics/Laboratory Corporation of America, LabCorp
Classification: Uncertain significance. Last evaluated: 2024-04-25. Review status: criteria provided, single submitter. Criteria: LabCorp Variant Classification Summary - May 2015. Collection method: clinical testing. Allele origin: germline.
Comment: Variant summary: AR c.1025C>T (p.Pro342Leu) results in a non-conservative amino acid change in the encoded protein sequence. Three of five in-silico tools predict a damaging effect of the variant on protein function. The variant allele was found at a frequency of 4.9e-05 in 182043 control chromosomes (gnomAD). The available data on variant occurrences in the general population are insufficient to allow any conclusion about variant significance. c.1025C>T has been reported in the literature in individuals affected with infertility/azoospermia (Ferline_2006, Riera-Escamilla_2022). These reports do not provide unequivocal conclusions about association of the variant with Androgen Resistance Syndrome. At least one publication reports experimental evidence evaluating an impact on protein function, finding that the variant results in reduced trascriptional response to the ART-27 coactivator (Li_2005). The following publications have been ascertained in the context of this evaluation (PMID: 17054461, 35809576, 15919721). ClinVar contains an entry for this variant (Variation ID: 1685532). Based on the evidence outlined above, the variant was classified as uncertain significance.

Mendelics
Classification: Uncertain significance for Familial prostate cancer. Last evaluated: 2023-01-12. Review status: criteria provided, single submitter. Criteria: Mendelics Assertion Criteria 2019. Collection method: clinical testing. Allele origin: germline.

Literature cited by the submitters: PubMed 17054461 (cited by Women's Health and Genetics/Laboratory Corporation of America, LabCorp); PubMed 15919721 (cited by Women's Health and Genetics/Laboratory Corporation of America, LabCorp); PubMed 35809576 (cited by Women's Health and Genetics/Laboratory Corporation of America, LabCorp).

NM_000044.6(AR):c.1025C>T (p.Pro342Leu)

Gene: AR (androgen receptor; plus strand). Cytogenetic location: Xq12.
Variant type: single nucleotide variant.
Coding change: c.1025C>T on transcript NM_000044.6 (MANE Select); coding-DNA position 1025, C replaced by T.
Protein change: p.Pro342Leu; replaces proline 342 with leucine.
Molecular consequence: missense variant. On other transcripts: 5 prime UTR variant (1).
Genome position (GRCh38, 1-based): chrX:67,546,171, C>T. VCF-style: chrX-67546171-C-T. GRCh37 (hg19) VCF-style: chrX-66766013-C-T.
Other names: c.-759C>T (NM_001011645.3); c.1025C>T, p.Pro342Leu (NM_001348061.1, NM_001348063.1, NM_001348064.1); short protein forms P342L.
Identifiers: ClinVar variation 1685532 (VCV001685532.3), dbSNP rs138454018, ClinGen allele CA10436351.